The following is an entry in ClinVar:

ClinVar aggregate classification (germline): Uncertain significance (1 of 4 stars; one submission).

gnomAD v4.1: 7 of 1,614,076 alleles (0.00043%); highest among the groups gnomAD compares: African/African-American, 0.0027%; no homozygotes.

Submission:

Mayo Clinic Laboratories, Mayo Clinic
Classification: Uncertain significance. Last evaluated: 2025-02-07. Review status: criteria provided, single submitter. Criteria: ACMG Guidelines, 2015. Collection method: clinical testing. Allele origin: germline. Observed: 1 variant allele.
Comment: BP4, PM2_supporting

NM_003049.4(SLC10A1):c.535A>C (p.Lys179Gln)

Gene: SLC10A1 (solute carrier family 10 member 1; minus strand). Cytogenetic location: 14q24.1.
Variant type: single nucleotide variant.
Coding change: c.535A>C on transcript NM_003049.4 (MANE Select); coding-DNA position 535, A replaced by C.
Protein change: p.Lys179Gln; replaces lysine 179 with glutamine.
Molecular consequence: missense variant.
Genome position (GRCh38, 1-based): chr14:69,786,129, T>G on the plus strand (A>C on the coding strand, the complement: SLC10A1 is on the minus strand). VCF-style: chr14-69786129-T-G. GRCh37 (hg19) VCF-style: chr14-70252846-T-G.
Other names: p.Lys179Gln; short protein forms K179Q.
Identifiers: ClinVar variation 4541881 (VCV004541881.1).
Genomic context (GRCh38, chr14:69,786,129, plus strand): 5'-TAATTTGTCAAGCCTCCCAGGTTCTTACCTTGATGACATAGCGCATGTATTGTGGCCGTT[T>G]GGATTTGAGGACGATCCCTATGGTGCAAGGAATGAGAACCAGGACCAGTGATATCACGAT-3'
Protein context (NP_003040.1, residues 169-189): PCTIGIVLKS[Lys179Gln]RPQYMRYVIK